The following is an entry in ClinVar:

ClinVar aggregate classification (germline): Pathogenic (1 of 4 stars; one submission).

Conditions:
Autosomal recessive osteopetrosis 1. Also called: ALBERS-SCHONBERG DISEASE, AUTOSOMAL RECESSIVE; TCIRG1-Related Autosomal Recessive Osteopetrosis; TCIRG1-Related Osteopetrosis. Identifiers: Orphanet 667, MedGen C1850127, MONDO:0009815, OMIM 259700.

Submission:

Myriad Genetics, Inc.
Classification: Pathogenic for Autosomal recessive osteopetrosis 1. Last evaluated: 2025-07-07. Review status: criteria provided, single submitter. Criteria: Myriad Autosomal Dominant, Autosomal Recessive and X-Linked Classification Criteria (2023). Collection method: clinical testing. Allele origin: unknown.
Comment: NM_006019.3(TCIRG1):c.1661delT(V554Afs*34) is expected to be pathogenic in the context of autosomal recessive osteopetrosis type 1. This variant is predicted to lead to an abnormal or absent protein product due to the creation of a premature termination codon in TCIRG1, a gene where loss-of-function variants are known to be pathogenic. Please note: this variant was assessed in the context of healthy population screening.

NM_006019.4(TCIRG1):c.1661del (p.Val554fs)

Gene: TCIRG1 (T cell immune regulator 1, ATPase H+ transporting V0 subunit a3; plus strand). Cytogenetic location: 11q13.2.
Variant type: Deletion.
Coding change: c.1661del on transcript NM_006019.4 (MANE Select); coding-DNA position 1661, one base deleted (T; older notation c.1661delT).
Protein change: p.Val554fs; shifts the reading frame from valine 554.
Molecular consequence: frameshift variant.
Genome position (GRCh38, 1-based): chr11:68,048,985, T deleted. VCF-style (leftmost placement, unchanged base first): chr11-68048984-GT-G. GRCh37 (hg19) VCF-style: chr11-67816451-GT-G.
Other names: c.767del, p.Val256fs (NM_001351059.2); c.1661del, p.Val554fs (NM_001440552.1, NM_001440553.1, NM_001440554.1 and 2 more transcripts); c.1619del, p.Val540fs (NM_001440555.1, NM_001440556.1, NM_001440563.1); c.1448del, p.Val483fs (NM_001440559.1, NM_001440560.1, NM_001440561.1 and 2 more transcripts); c.1406del, p.Val469fs (NM_001440564.1); c.1361del, p.Val454fs (NM_001440565.1); c.1199del, p.Val400fs (NM_001440567.1); c.1193del, p.Val398fs (NM_001440568.1); and 2 more; short protein forms V234fs, V256fs, V338fs, V398fs, V400fs, V454fs, V469fs, V483fs.
Identifiers: ClinVar variation 5014699 (VCV005014699.1).
Genomic context (GRCh38, chr11:68,048,984, plus strand): 5'-AAGATGAAGATGTCCGTCATCCTGGGCGTCGTGCACATGGCCTTTGGGGTGGTCCTCGGA[GT>G]CTTCAACCACGTGTGAGGGCCAAGGCTGCCCGGGGGACGGGAGGCTGGCAGGCCAGAGTG-3'